The following is an entry in ClinVar:

ClinVar aggregate classification (germline): Uncertain significance. Review status: criteria provided, multiple submitters, no conflicts (2 of 4 stars). 2 submissions from 2 submitters: Uncertain significance (2). Last evaluated 2025-12-06.

Conditions:
Hereditary cancer-predisposing syndrome. Also called: Hereditary neoplastic syndrome; Neoplastic Syndromes, Hereditary; Tumor predisposition; Hereditary Cancer Syndrome. Identifiers: Orphanet 140162, MedGen C0027672, MeSH D009386, MONDO:0015356.
Ataxia-telangiectasia syndrome (AT). Also called: Ataxia telangiectasia (A-T); LOUIS-BAR SYNDROME; Cerebello-oculocutaneous telangiectasia; Immunodeficiency with ataxia telangiectasia; Ataxia-telangiectasia, complementation group D; AT, COMPLEMENTATION GROUP C. Identifiers: Orphanet 100, MedGen C0004135, MONDO:0008840, OMIM 208900.

Submissions (2):

Labcorp Genetics (formerly Invitae), Labcorp
Classification: Uncertain significance for Ataxia-telangiectasia syndrome. Last evaluated: 2025-12-06. Review status: criteria provided, single submitter. Criteria: Invitae Variant Classification Sherloc (09022015). Collection method: clinical testing. Allele origin: germline.
Comment: This sequence change replaces valine, which is neutral and non-polar, with phenylalanine, which is neutral and non-polar, at codon 2906 of the ATM protein (p.Val2906Phe). This variant is not present in population databases (gnomAD no frequency). This variant has not been reported in the literature in individuals affected with ATM-related conditions. ClinVar contains an entry for this variant (Variation ID: 1764426). Invitae Evidence Modeling of protein sequence and biophysical properties (such as structural, functional, and spatial information, amino acid conservation, physicochemical variation, residue mobility, and thermodynamic stability) indicates that this missense variant is expected to disrupt ATM protein function with a positive predictive value of 95%. In summary, the available evidence is currently insufficient to determine the role of this variant in disease. Therefore, it has been classified as a Variant of Uncertain Significance.

Ambry Genetics
Classification: Uncertain significance for Hereditary cancer-predisposing syndrome. Last evaluated: 2025-01-27. Review status: criteria provided, single submitter. Criteria: Ambry Variant Classification Scheme 2023. Collection method: clinical testing. Allele origin: germline.
Comment: The p.V2906F variant (also known as c.8716G>T), located in coding exon 59 of the ATM gene, results from a G to T substitution at nucleotide position 8716. The valine at codon 2906 is replaced by phenylalanine, an amino acid with highly similar properties. This amino acid position is highly conserved in available vertebrate species. In addition, this alteration is predicted to be deleterious by in silico analysis. Based on the available evidence, the clinical significance of this variant remains unclear.

NM_000051.4(ATM):c.8716G>T (p.Val2906Phe)

Genes: ATM (ATM serine/threonine kinase; plus strand), C11orf65 (chromosome 11 open reading frame 65; minus strand). Cytogenetic location: 11q22.3.
Variant type: single nucleotide variant.
Coding change: c.8716G>T on transcript NM_000051.4 (MANE Select); coding-DNA position 8716, G replaced by T.
Protein change: p.Val2906Phe; replaces valine 2906 with phenylalanine.
Molecular consequence: missense variant. On other transcripts: intron variant (2).
Genome position (GRCh38, 1-based): chr11:108,353,810, G>T. VCF-style: chr11-108353810-G-T. GRCh37 (hg19) VCF-style: chr11-108224537-G-T.
Other names: c.8716G>T, p.Val2906Phe (NM_001351834.2); c.640+32110C>A (NM_001330368.2); c.695-18518C>A (NM_001351110.2); short protein forms V2906F.
Identifiers: ClinVar variation 1764426 (VCV001764426.3), dbSNP rs587780643, ClinGen allele CA382523836.